The following is an entry in ClinVar:

ClinVar aggregate classification (germline): Uncertain significance (1 of 4 stars; one submission).

Conditions:
Long QT syndrome 10 (LQT10). Identifiers: Orphanet 101016, Orphanet 768, MedGen C2678484, MONDO:0012737, OMIM 611819.

Submission:

Labcorp Genetics (formerly Invitae), Labcorp
Classification: Uncertain significance for Long QT syndrome 10. Last evaluated: 2023-10-07. Review status: criteria provided, single submitter. Criteria: Invitae Variant Classification Sherloc (09022015). Collection method: clinical testing. Allele origin: germline.
Comment: This sequence change replaces arginine, which is basic and polar, with proline, which is neutral and non-polar, at codon 100 of the SCN4B protein (p.Arg100Pro). This variant is not present in population databases (gnomAD no frequency). This variant has not been reported in the literature in individuals affected with SCN4B-related conditions. ClinVar contains an entry for this variant (Variation ID: 960482). An algorithm developed to predict the effect of missense changes on protein structure and function (PolyPhen-2) suggests that this variant is likely to be disruptive. In summary, the available evidence is currently insufficient to determine the role of this variant in disease. Therefore, it has been classified as a Variant of Uncertain Significance.

NM_174934.4(SCN4B):c.299G>C (p.Arg100Pro)

Genes: SCN4B (sodium voltage-gated channel beta subunit 4; minus strand), LOC126861356 (BRD4-independent group 4 enhancer GRCh37_chr11:118014519-118015718; plus strand). Cytogenetic location: 11q23.3.
Variant type: single nucleotide variant.
Coding change: c.299G>C on transcript NM_174934.4 (MANE Select); coding-DNA position 299, G replaced by C.
Protein change: p.Arg100Pro; replaces arginine 100 with proline.
Molecular consequence: missense variant. On other transcripts: 5 prime UTR variant (1), non-coding transcript variant (1), intron variant (1).
Genome position (GRCh38, 1-based): chr11:118,143,997, C>G on the plus strand (G>C on the coding strand, the complement: SCN4B is on the minus strand). VCF-style: chr11-118143997-C-G. GRCh37 (hg19) VCF-style: chr11-118014712-C-G.
Other names: c.-32G>C (NM_001142349.2); c.62-2661G>C (NM_001142348.2); short protein forms R100P.
Identifiers: ClinVar variation 960482 (VCV000960482.10), dbSNP rs779514077, ClinGen allele CA382778327.
Genomic context (GRCh38, chr11:118,143,997, plus strand): 5'-TCCCTCAGCACAATGGAAATGTTGTTCATCTTCTCCTTAGTAGAGCCTACCAGAGTGATG[C>G]GGTCATCGTCTTTCAACGTCACCTTGGGGTCAGACTTCTCATTCTTCACAGTCCCCTCTA-3'
Protein context (NP_777594.1, residues 90-110): DPKVTLKDDD[Arg100Pro]ITLVGSTKEK